The following is an entry in ClinVar:

NM_001394062.1(MACF1):c.15828A>C (p.Lys5276Asn)

Gene: MACF1 (microtubule actin crosslinking factor 1; plus strand). Cytogenetic location: 1p34.3.
Variant type: single nucleotide variant.
Coding change: c.15828A>C on transcript NM_001394062.1 (MANE Select); coding-DNA position 15828, A replaced by C.
Protein change: p.Lys5276Asn; replaces lysine 5276 with asparagine.
Molecular consequence: missense variant.
Genome position (GRCh38, 1-based): chr1:39,422,385, A>C. VCF-style: chr1-39422385-A-C. GRCh37 (hg19) VCF-style: chr1-39888057-A-C.
Other names: c.4224A>C, p.Lys1408Asn (NM_001397473.1); c.9642A>C, p.Lys3214Asn (NM_012090.5); short protein forms K1408N, K3214N, K5276N.
Identifiers: ClinVar variation 2579835 (VCV002579835.4), dbSNP rs1446925902, ClinGen allele CA339790798.
Genomic context (GRCh38, chr1:39,422,385, plus strand): 5'-GAGTCTAATAGCCTTTGTATTAAATCTTCTTTGGCTTGTAATTATCTAGATGTTTCAGAA[A>C]GAACAAGTGGATCCTCTTCAGATGAAATTGCAGCAGGTGAATGGACTTGGCCAGGGATTA-3'
Protein context (NP_001380991.1, residues 5266-5286): QQLADFKMFQ[Lys5276Asn]EQVDPLQMKL

ClinVar aggregate classification (germline): Conflicting classifications of pathogenicity. Review status: criteria provided, conflicting classifications (1 of 4 stars). 2 submissions from 2 submitters: Uncertain significance (1); Likely benign (1). Last evaluated 2024-12-16.

Submissions (2):

Labcorp Genetics (formerly Invitae), Labcorp
Classification: Likely benign. Last evaluated: 2024-12-16. Review status: criteria provided, single submitter. Criteria: Invitae Variant Classification Sherloc (09022015). Collection method: clinical testing. Allele origin: germline.

GeneDx
Classification: Uncertain significance. Last evaluated: 2023-03-16. Review status: criteria provided, single submitter. Criteria: GeneDx Variant Classification Process June 2021. Collection method: clinical testing. Allele origin: germline. Affected: yes.
Comment: In silico analysis supports that this missense variant has a deleterious effect on protein structure/function; Has not been previously published as pathogenic or benign to our knowledge